The following is an entry in ClinVar:

ClinVar aggregate classification (germline): Uncertain significance (1 of 4 stars; one submission).

Allele frequency attached by ClinVar (database versions not stated): gnomAD exomes below 0.00001.
gnomAD v4.1: 6 of 1,506,578 alleles (0.0004%); highest among the groups gnomAD compares: Admixed American, 0.0021%; no homozygotes.

Submission:

Labcorp Genetics (formerly Invitae), Labcorp
Classification: Uncertain significance. Last evaluated: 2023-08-28. Review status: criteria provided, single submitter. Criteria: Invitae Variant Classification Sherloc (09022015). Collection method: clinical testing. Allele origin: germline.
Comment: This sequence change replaces glycine, which is neutral and non-polar, with glutamic acid, which is acidic and polar, at codon 47 of the AVP protein (p.Gly47Glu). The frequency data for this variant in the population databases is considered unreliable, as metrics indicate poor data quality at this position in the gnomAD database. This variant has not been reported in the literature in individuals affected with AVP-related conditions. Algorithms developed to predict the effect of missense changes on protein structure and function output the following: SIFT: "Not Available"; PolyPhen-2: "Benign"; Align-GVGD: "Not Available". The glutamic acid amino acid residue is found in multiple mammalian species, which suggests that this missense change does not adversely affect protein function. In summary, the available evidence is currently insufficient to determine the role of this variant in disease. Therefore, it has been classified as a Variant of Uncertain Significance.

NM_000490.5(AVP):c.140G>A (p.Gly47Glu)

Gene: AVP (arginine vasopressin; minus strand). Cytogenetic location: 20p13.
Variant type: single nucleotide variant.
Coding change: c.140G>A on transcript NM_000490.5 (MANE Select); coding-DNA position 140, G replaced by A.
Protein change: p.Gly47Glu; replaces glycine 47 with glutamic acid.
Molecular consequence: missense variant.
Genome position (GRCh38, 1-based): chr20:3,083,159, C>T on the plus strand (G>A on the coding strand, the complement: AVP is on the minus strand). VCF-style: chr20-3083159-C-T. GRCh37 (hg19) VCF-style: chr20-3063805-C-T.
Other names: short protein forms G47E.
Identifiers: ClinVar variation 2776586 (VCV002776586.3), dbSNP rs1350221235, ClinGen allele CA408061854.